The following is an entry in ClinVar:

ClinVar aggregate classification (germline): Uncertain significance (1 of 4 stars; one submission).

Conditions:
Transcobalamin II deficiency (TCN2D). Also called: Transcolabamin II deficiency; TC II DEFICIENCY; TCN2 DEFICIENCY. Identifiers: Orphanet 859, MedGen C0342701, MONDO:0010149, OMIM 275350.

Allele frequency attached by ClinVar (database versions not stated): gnomAD exomes 0.00001; ExAC 0.00002; gnomAD 0.00006 and 0.00007; TOPMed 0.00006; 1000 Genomes Project 30x 0.00016; 1000 Genomes Project 0.00020.

Submission:

Labcorp Genetics (formerly Invitae), Labcorp
Classification: Uncertain significance for Transcobalamin II deficiency. Last evaluated: 2024-04-25. Review status: criteria provided, single submitter. Criteria: Invitae Variant Classification Sherloc (09022015). Collection method: clinical testing. Allele origin: germline.
Comment: This sequence change replaces leucine, which is neutral and non-polar, with methionine, which is neutral and non-polar, at codon 47 of the TCN2 protein (p.Leu47Met). This variant is present in population databases (rs200833932, gnomAD 0.02%). This variant has not been reported in the literature in individuals affected with TCN2-related conditions. ClinVar contains an entry for this variant (Variation ID: 958460). An algorithm developed to predict the effect of missense changes on protein structure and function (PolyPhen-2) suggests that this variant is likely to be tolerated. In summary, the available evidence is currently insufficient to determine the role of this variant in disease. Therefore, it has been classified as a Variant of Uncertain Significance.

NM_000355.4(TCN2):c.139C>A (p.Leu47Met)

Gene: TCN2 (transcobalamin 2; plus strand). Cytogenetic location: 22q12.2.
Variant type: single nucleotide variant.
Coding change: c.139C>A on transcript NM_000355.4 (MANE Select); coding-DNA position 139, C replaced by A.
Protein change: p.Leu47Met; replaces leucine 47 with methionine.
Molecular consequence: missense variant.
Genome position (GRCh38, 1-based): chr22:30,610,945, C>A. VCF-style: chr22-30610945-C-A. GRCh37 (hg19) VCF-style: chr22-31006932-C-A.
Other names: c.139C>A, p.Leu47Met (NM_001184726.2); short protein forms L47M.
Identifiers: ClinVar variation 958460 (VCV000958460.9), dbSNP rs200833932, ClinGen allele CA10184498.